The following is an entry in ClinVar:

NM_000271.5(NPC1):c.3086dup (p.His1029fs)

Gene: NPC1 (NPC intracellular cholesterol transporter 1; minus strand). Cytogenetic location: 18q11.2.
Variant type: Duplication.
Coding change: c.3086dup on transcript NM_000271.5 (MANE Select); coding-DNA position 3086, one base duplicated (A; older notation c.3086dupA).
Protein change: p.His1029fs; shifts the reading frame from histidine 1029.
Molecular consequence: frameshift variant.
Genome position (GRCh38, 1-based): chr18:23,536,832, T duplicated on the plus strand (A on the coding strand, the reverse complement: NPC1 is on the minus strand). VCF-style (leftmost placement, unchanged base first): chr18-23536831-A-AT. GRCh37 (hg19) VCF-style: chr18-21116795-A-AT.
Other names: short protein forms H1029fs.
Identifiers: ClinVar variation 2866089 (VCV002866089.3), dbSNP rs2511197777, ClinGen allele CA2739268571.

ClinVar aggregate classification (germline): Pathogenic (1 of 4 stars; one submission).

Conditions:
Niemann-Pick disease, type C1. Also called: NIEMANN-PICK DISEASE, VARIANT TYPE C1; NEUROVISCERAL STORAGE DISEASE WITH VERTICAL SUPRANUCLEAR OPHTHALMOPLEGIA; NIEMANN-PICK DISEASE WITH CHOLESTEROL ESTERIFICATION BLOCK; NIEMANN-PICK DISEASE WITHOUT SPHINGOMYELINASE DEFICIENCY; NIEMANN-PICK DISEASE, CHRONIC NEURONOPATHIC FORM. Identifiers: Orphanet 646, MedGen C3179455, MONDO:0009757, OMIM 257220.

Submission:

Labcorp Genetics (formerly Invitae), Labcorp
Classification: Pathogenic for Niemann-Pick disease, type C1. Last evaluated: 2023-05-20. Review status: criteria provided, single submitter. Criteria: Invitae Variant Classification Sherloc (09022015). Collection method: clinical testing. Allele origin: germline.
Comment: This sequence change creates a premature translational stop signal (p.His1029Glnfs*22) in the NPC1 gene. It is expected to result in an absent or disrupted protein product. Loss-of-function variants in NPC1 are known to be pathogenic (PMID: 9211850). This variant is not present in population databases (gnomAD no frequency). This variant has not been reported in the literature in individuals affected with NPC1-related conditions. For these reasons, this variant has been classified as Pathogenic.

Literature cited by the submitters: PubMed 9211850.